The following is an entry in ClinVar:

ClinVar aggregate classification (germline): Pathogenic (1 of 4 stars; one submission).

Conditions:
Duchenne muscular dystrophy (DMD). Also called: MUSCULAR DYSTROPHY, PSEUDOHYPERTROPHIC PROGRESSIVE, DUCHENNE TYPE; Duchenne Muscular Dystrophy (DMD). Identifiers: Orphanet 98896, MedGen C0013264, MONDO:0010679, OMIM 310200.

Submission:

Athena Diagnostics
Classification: Pathogenic for Duchenne muscular dystrophy. Last evaluated: 2013-11-07. Review status: criteria provided, single submitter. Criteria: Athena Diagnostics Criteria. Collection method: clinical testing. Allele origin: germline. Inheritance: X-linked recessive inheritance.
Comment: X-linked recessive inheritance

Literature cited by the submitters: PubMed 17259292.

NM_004006.3(DMD):c.1331+1G>A

Gene: DMD (dystrophin; minus strand). Cytogenetic location: Xp21.1.
Variant type: single nucleotide variant.
Coding change: c.1331+1G>A on transcript NM_004006.3 (MANE Select); the canonical splice donor site of the intron after coding-DNA position 1331, G replaced by A.
Molecular consequence: splice donor variant.
Genome position (GRCh38, 1-based): chrX:32,644,131, C>T on the plus strand (G>A on the coding strand, the complement: DMD is on the minus strand). VCF-style: chrX-32644131-C-T. GRCh37 (hg19) VCF-style: chrX-32662248-C-T.
Other names: c.1307+1G>A (NM_000109.4); c.1319+1G>A (NM_004009.3); c.962+1G>A (NM_004010.3).
Identifiers: ClinVar variation 217177 (VCV000217177.2), dbSNP rs863224980, ClinGen allele CA347557.
Genomic context (GRCh38, chrX:32,644,131, plus strand): 5'-AAATAATCACAAGCTTCCAAAACTTGTTAGTCTTCTTAATTAAAAACAAATAAGGACTTA[C>T]TTGCTTTGTTTTTCCATGCTAGCTACCCTGAGGCATTCCCATCTTGAATTTAGGAGATTC-3'